The following is an entry in ClinVar:

ClinVar aggregate classification (germline): Benign (1 of 4 stars; one submission).

Conditions:
Von Hippel-Lindau syndrome (VHLS). Also called: Von Hippel-Lindau; VHL syndrome; von Hippel–Lindau syndrome. Identifiers: Orphanet 892, MedGen C0019562, MONDO:0008667, OMIM 193300. Disease mechanism: loss of function.

Allele frequency attached by ClinVar (database versions not stated): gnomAD exomes 0.00063; 1000 Genomes Project 30x 0.00109; gnomAD 0.00136 and 0.00143; 1000 Genomes Project 0.00140; TOPMed 0.00151.

Submission:

Illumina Laboratory Services, Illumina
Classification: Benign for Von Hippel-Lindau syndrome. Last evaluated: 2018-01-12. Review status: criteria provided, single submitter. Criteria: ICSL Variant Classification Criteria 13 December 2019. Collection method: clinical testing. Allele origin: germline.
Comment: This variant was observed in the ICSL laboratory as part of a predisposition screen in an ostensibly healthy population. It had not been previously curated by ICSL or reported in the Human Gene Mutation Database (HGMD: prior to June 1st, 2018), and was therefore a candidate for classification through an automated scoring system. Utilizing variant allele frequency, disease prevalence and penetrance estimates, and inheritance mode, an automated score was calculated to assess if this variant is too frequent to cause the disease. Based on the score and internal cut-off values, a variant classified as benign is not then subjected to further curation. The score for this variant resulted in a classification of benign for this disease.

NM_000551.4(VHL):c.*1947A>T

Genes: VHL (von Hippel-Lindau tumor suppressor; plus strand), LOC107303340 (3p25 von Hippel-Lindau tumor suppressor, E3 ubiquitin protein ligase Alu-mediated recombination region; plus strand). Cytogenetic location: 3p25.3.
Variant type: single nucleotide variant.
Coding change: c.*1947A>T on transcript NM_000551.4 (MANE Select); 1947 bases downstream of the stop codon, A replaced by T.
Molecular consequence: 3 prime UTR variant.
Genome position (GRCh38, 1-based): chr3:10,151,912, A>T. VCF-style: chr3-10151912-A-T. GRCh37 (hg19) VCF-style: chr3-10193596-A-T.
Other names: c.*2143A>T (NM_001354723.2); c.*1947A>T (NM_198156.3).
Identifiers: ClinVar variation 900697 (VCV000900697.4), dbSNP rs546263769, ClinGen allele CA70054078.